The following is an entry in ClinVar:

NM_000250.2(MPO):c.2187C>T (p.Asn729=)

Gene: MPO (myeloperoxidase; minus strand). Cytogenetic location: 17q22.
Variant type: single nucleotide variant.
Coding change: c.2187C>T on transcript NM_000250.2 (MANE Select); coding-DNA position 2187, C replaced by T.
Protein change: p.Asn729=; no amino-acid change (asparagine 729 retained).
Molecular consequence: synonymous variant.
Genome position (GRCh38, 1-based): chr17:58,270,707, G>A on the plus strand (C>T on the coding strand, the complement: MPO is on the minus strand). VCF-style: chr17-58270707-G-A. GRCh37 (hg19) VCF-style: chr17-56348068-G-A.
Identifiers: ClinVar variation 777205 (VCV000777205.7), dbSNP rs113203253, ClinGen allele CA8670398.

ClinVar aggregate classification (germline): Benign/Likely benign. Review status: criteria provided, multiple submitters, no conflicts (2 of 4 stars). 5 submissions from 5 submitters: Benign (2); Likely benign (2). 1 of the submissions does not count toward it. Last evaluated 2024-11-22.

Conditions:
Myeloperoxidase deficiency (MPOD). Also called: MPO DEFICIENCY; Myeloperoxidase deficiency syndrome. Identifiers: Orphanet 2587, MedGen C0398595, MONDO:0009694, OMIM 254600.
Alzheimer disease type 1 (AD1). Also called: ALZHEIMER DISEASE, FAMILIAL, 1; ALZHEIMER DISEASE, FAMILIAL, 1, AUTOSOMAL RECESSIVE. Identifiers: MedGen C1863052, MONDO:0007088, OMIM 104300.
MPO-related disorder. Also called: MPO-related condition.

Allele frequency attached by ClinVar (database versions not stated): gnomAD exomes 0.00045 and 0.00110; ExAC 0.00142; 1000 Genomes Project 30x 0.00422; 1000 Genomes Project 0.00439; gnomAD 0.00441 and 0.00469; ESP Exome Variant Server 0.00500; TOPMed 0.00522.
gnomAD v4.1: 1,390 of 1,614,110 alleles (0.086%); highest among the groups gnomAD compares: African/African-American, 1.6%; 9 homozygotes.

Submissions (5):

Blueprint Genetics
Classification: Likely benign. Last evaluated: 2024-11-22. Review status: criteria provided, single submitter. Criteria: ACMG Guidelines, 2015. Collection method: clinical testing. Allele origin: germline.

Fulgent Genetics
Classification: Likely benign for Alzheimer disease type 1; Myeloperoxidase deficiency. Last evaluated: 2021-12-23. Review status: criteria provided, single submitter. Criteria: ACMG Guidelines, 2015. Collection method: clinical testing. Allele origin: unknown.

Labcorp Genetics (formerly Invitae), Labcorp
Classification: Benign. Last evaluated: 2018-05-31. Review status: criteria provided, single submitter. Criteria: Invitae Variant Classification Sherloc (09022015). Collection method: clinical testing. Allele origin: germline.

Breakthrough Genomics
Classification: Benign. Review status: criteria provided, single submitter. Criteria: ACMG Guidelines, 2015. Collection method: not provided. Allele origin: germline. Inheritance: Autosomal recessive inheritance. Affected: yes.

PreventionGenetics, part of Exact Sciences
Classification: Benign for MPO-related condition. Last evaluated: 2024-03-20. Review status: no assertion criteria provided. Collection method: clinical testing. Allele origin: germline. Not counted in ClinVar's aggregate classification.
Comment: This variant is classified as benign based on ACMG/AMP sequence variant interpretation guidelines (Richards et al. 2015 PMID: 25741868, with internal and published modifications).